The following is an entry in ClinVar:

NM_006567.5(FARS2):c.332C>T (p.Ser111Leu)

Genes: FARS2 (phenylalanyl-tRNA synthetase 2, mitochondrial; plus strand), LOC126859565 (CDK7 strongly-dependent group 2 enhancer GRCh37_chr6:5368745-5369944; plus strand). Cytogenetic location: 6p25.1.
Variant type: single nucleotide variant.
Coding change: c.332C>T on transcript NM_006567.5 (MANE Select); coding-DNA position 332, C replaced by T.
Protein change: p.Ser111Leu; replaces serine 111 with leucine.
Molecular consequence: missense variant. On other transcripts: intron variant (2).
Genome position (GRCh38, 1-based): chr6:5,368,902, C>T. VCF-style: chr6-5368902-C-T. GRCh37 (hg19) VCF-style: chr6-5369135-C-T.
Other names: c.332C>T (NM_006567.3); c.332C>T, p.Ser111Leu (NM_001318872.2, NM_001374875.1, NM_001374876.1 and 5 more transcripts); c.-340-27731C>T (NM_001375260.1); c.-84-35640C>T (NM_001375259.1); short protein forms S111L.
Identifiers: ClinVar variation 587650 (VCV000587650.10), dbSNP rs369145259, ClinGen allele CA3623627.

ClinVar aggregate classification (germline): Uncertain significance. Review status: criteria provided, multiple submitters, no conflicts (2 of 4 stars). 3 submissions from 3 submitters: Uncertain significance (3). Last evaluated 2025-03-25.

Conditions:
Combined oxidative phosphorylation defect type 14. Also called: Combined oxidative phosphorylation deficiency 14. Identifiers: Orphanet 319519, MedGen C4755312, MONDO:0013986, OMIM 614946.

Allele frequency attached by ClinVar (database versions not stated): gnomAD exomes 0.00001 and 0.00002; ExAC 0.00002; gnomAD 0.00002 and 0.00003; TOPMed 0.00003; ESP Exome Variant Server 0.00008.

Submissions (3):

Labcorp Genetics (formerly Invitae), Labcorp
Classification: Uncertain significance for Combined oxidative phosphorylation defect type 14. Last evaluated: 2025-03-25. Review status: criteria provided, single submitter. Criteria: Invitae Variant Classification Sherloc (09022015). Collection method: clinical testing. Allele origin: germline.
Comment: This sequence change replaces serine, which is neutral and polar, with leucine, which is neutral and non-polar, at codon 111 of the FARS2 protein (p.Ser111Leu). This variant is present in population databases (rs369145259, gnomAD 0.01%). This variant has not been reported in the literature in individuals affected with FARS2-related conditions. ClinVar contains an entry for this variant (Variation ID: 587650). Invitae Evidence Modeling of protein sequence and biophysical properties (such as structural, functional, and spatial information, amino acid conservation, physicochemical variation, residue mobility, and thermodynamic stability) indicates that this missense variant is expected to disrupt FARS2 protein function with a positive predictive value of 95%. In summary, the available evidence is currently insufficient to determine the role of this variant in disease. Therefore, it has been classified as a Variant of Uncertain Significance.

GeneDx
Classification: Uncertain significance. Last evaluated: 2024-07-08. Review status: criteria provided, single submitter. Criteria: GeneDx Variant Classification Process June 2021. Collection method: clinical testing. Allele origin: germline. Affected: yes.
Comment: Not observed at significant frequency in large population cohorts (gnomAD); In silico analysis supports that this missense variant has a deleterious effect on protein structure/function; Has not been previously published as pathogenic or benign to our knowledge

Wong Mito Lab, Molecular and Human Genetics, Baylor College of Medicine
Classification: Uncertain significance for Combined oxidative phosphorylation deficiency 14. Last evaluated: 2018-06-13. Review status: criteria provided, single submitter. Criteria: ACMG Guidelines, 2015. Collection method: clinical testing. Allele origin: germline.